The following is an entry in ClinVar:

NM_000891.3(KCNJ2):c.213C>T (p.Asp71=)

Gene: KCNJ2 (potassium inwardly rectifying channel subfamily J member 2; plus strand). Cytogenetic location: 17q24.3.
Variant type: single nucleotide variant.
Coding change: c.213C>T on transcript NM_000891.3 (MANE Select); coding-DNA position 213, C replaced by T.
Protein change: p.Asp71=; no amino-acid change (aspartic acid 71 retained).
Molecular consequence: synonymous variant.
Genome position (GRCh38, 1-based): chr17:70,175,252, C>T. VCF-style: chr17-70175252-C-T. GRCh37 (hg19) VCF-style: chr17-68171393-C-T.
Identifiers: ClinVar variation 263553 (VCV000263553.19), dbSNP rs150671256, ClinGen allele CA8738700.

ClinVar aggregate classification (germline): Benign/Likely benign. Review status: criteria provided, multiple submitters, no conflicts (2 of 4 stars). 6 submissions from 6 submitters: Benign (4); Likely benign (2). Last evaluated 2026-02-03.

Conditions:
Cardiovascular phenotype. Identifiers: MedGen CN230736.
Andersen Tawil syndrome (LQT7). Also called: Potassium-sensitive periodic paralysis, ventricular ectopy, and dysmorphic features; ANDERSEN CARDIODYSRHYTHMIC PERIODIC PARALYSIS; Andersen Syndrome; LONG QT SYNDROME 7; PERIODIC PARALYSIS, POTASSIUM-SENSITIVE CARDIODYSRHYTHMIC TYPE. Identifiers: Orphanet 37553, MedGen C1563715, MONDO:0008222, OMIM 170390.
Short QT syndrome type 3. Identifiers: Orphanet 51083, MedGen C1865018, MONDO:0012314, OMIM 609622.

Allele frequency attached by ClinVar (database versions not stated): gnomAD exomes 0.00006 and 0.00019; ExAC 0.00022; TOPMed 0.00058; 1000 Genomes Project 30x 0.00062; gnomAD 0.00068 and 0.00070; ESP Exome Variant Server 0.00069; 1000 Genomes Project 0.00080.
gnomAD v4.1: 194 of 1,614,198 alleles (0.012%); highest among the groups gnomAD compares: African/African-American, 0.24%; 1 homozygote.

Submissions (6):

Labcorp Genetics (formerly Invitae), Labcorp
Classification: Benign for Short QT syndrome type 3; Andersen Tawil syndrome. Last evaluated: 2026-02-03. Review status: criteria provided, single submitter. Criteria: Invitae Variant Classification Sherloc (09022015). Collection method: clinical testing. Allele origin: germline.

Molecular Diagnostic Laboratory for Inherited Cardiovascular Disease, Montreal Heart Institute
Classification: Benign. Last evaluated: 2025-04-09. Review status: criteria provided, single submitter. Criteria: ACMG Guidelines, 2015. Collection method: clinical testing. Allele origin: germline. Affected: no.

Blueprint Genetics
Classification: Likely benign. Last evaluated: 2024-10-02. Review status: criteria provided, single submitter. Criteria: ACMG Guidelines, 2015. Collection method: clinical testing. Allele origin: germline.

Women's Health and Genetics/Laboratory Corporation of America, LabCorp
Classification: Benign. Last evaluated: 2019-05-13. Review status: criteria provided, single submitter. Criteria: LabCorp Variant Classification Summary - May 2015. Collection method: clinical testing. Allele origin: germline.
Comment: Variant summary: KCNJ2 c.213C>T alters a conserved nucleotide resulting in a synonymous change. 5/5 computational tools predict no significant impact on normal splicing. However, these predictions have yet to be confirmed by functional studies. The variant allele was found at a frequency of 0.00019 in 251480 control chromosomes, predominantly at a frequency of 0.0026 within the African or African-American subpopulation in the gnomAD database. The observed variant frequency within African or African-American control individuals in the gnomAD database is approximately 260 fold of the estimated maximal expected allele frequency for a pathogenic variant in KCNJ2 causing Arrhythmia phenotype (1e-05), strongly suggesting that the variant is a benign polymorphism found primarily in populations of African or African-American origin. To our knowledge, no occurrence of c.213C>T in individuals affected with Arrhythmia and no experimental evidence demonstrating its impact on protein function have been reported. Two clinical diagnostic laboratories have submitted clinical-significance assessments for this variant to ClinVar after 2014 without evidence for independent evaluation (benign (n=1), likely benign (n=1)). Based on the evidence outlined above, the variant was classified as benign.

Ambry Genetics
Classification: Likely benign for Cardiovascular phenotype. Last evaluated: 2016-09-09. Review status: criteria provided, single submitter. Criteria: Ambry Variant Classification Scheme 2023. Collection method: clinical testing. Allele origin: germline.

GeneDx
Classification: Benign. Last evaluated: 2015-08-03. Review status: criteria provided, single submitter. Criteria: GeneDx Variant Classification (06012015). Collection method: clinical testing. Allele origin: germline. Affected: yes.
Comment: This variant is considered likely benign or benign based on one or more of the following criteria: it is a conservative change, it occurs at a poorly conserved position in the protein, it is predicted to be benign by multiple in silico algorithms, and/or has population frequency not consistent with disease.